The following is an entry in ClinVar:

ClinVar aggregate classification (germline): Uncertain significance (1 of 4 stars; one submission).

Submission:

Labcorp Genetics (formerly Invitae), Labcorp
Classification: Uncertain significance. Last evaluated: 2025-12-23. Review status: criteria provided, single submitter. Criteria: Invitae Variant Classification Sherloc (09022015). Collection method: clinical testing. Allele origin: germline.
Comment: This sequence change replaces glycine, which is neutral and non-polar, with serine, which is neutral and polar, at codon 475 of the ZNF143 protein (p.Gly475Ser). This variant is not present in population databases (gnomAD no frequency). This variant has not been reported in the literature in individuals affected with ZNF143-related conditions. An algorithm developed to predict the effect of missense changes on protein structure and function (PolyPhen-2) suggests that this variant is likely to be tolerated. In summary, the available evidence is currently insufficient to determine the role of this variant in disease. Therefore, it has been classified as a Variant of Uncertain Significance.

NM_003442.6(ZNF143):c.1423G>A (p.Gly475Ser)

Gene: ZNF143 (zinc finger protein 143; plus strand). Cytogenetic location: 11p15.4.
Variant type: single nucleotide variant.
Coding change: c.1423G>A on transcript NM_003442.6 (MANE Select); coding-DNA position 1423, G replaced by A.
Protein change: p.Gly475Ser; replaces glycine 475 with serine.
Molecular consequence: missense variant.
Genome position (GRCh38, 1-based): chr11:9,512,495, G>A. VCF-style: chr11-9512495-G-A. GRCh37 (hg19) VCF-style: chr11-9534042-G-A.
Other names: c.1420G>A, p.Gly474Ser (NM_001282656.2); c.1330G>A, p.Gly444Ser (NM_001282657.2); short protein forms G444S, G474S, G475S.
Identifiers: ClinVar variation 4771732 (VCV004771732.1).
Genomic context (GRCh38, chr11:9,512,495, plus strand): 5'-TTGTTTTAAACAGGTCAAGGTGAAGATGTTCTTAAAGGGTCCCAGATTACGTATGTTACA[G>A]GTGTAGAAGGGGACGACGTTGTTTCTACACAAGTAGCCACAGTAACCCAATCTGGACTGA-3'
Protein context (NP_003433.3, residues 465-485): LKGSQITYVT[Gly475Ser]VEGDDVVSTQ